The following is an entry in ClinVar:

NM_021930.6(RINT1):c.17A>G (p.Glu6Gly)

Gene: RINT1 (RAD50 interactor 1; plus strand). Cytogenetic location: 7q22.3.
Variant type: single nucleotide variant.
Coding change: c.17A>G on transcript NM_021930.6 (MANE Select); coding-DNA position 17, A replaced by G.
Protein change: p.Glu6Gly; replaces glutamic acid 6 with glycine.
Molecular consequence: missense variant. On other transcripts: 5 prime UTR variant (4), non-coding transcript variant (1).
Genome position (GRCh38, 1-based): chr7:105,532,332, A>G. VCF-style: chr7-105532332-A-G. GRCh37 (hg19) VCF-style: chr7-105172779-A-G.
Other names: c.-81A>G (NM_001346599.2); c.-1003A>G (NM_001346600.2); c.-906A>G (NM_001346601.2); c.-526A>G (NM_001346603.2); short protein forms E6G.
Identifiers: ClinVar variation 947108 (VCV000947108.9), dbSNP rs1159994923, ClinGen allele CA368798979.
Genomic context (GRCh38, chr7:105,532,332, plus strand): 5'-CCACGCTGGCTGCGAATGGAGCCGAGGACTCGCGCGGAGGCGAGATGCTACCAGCCGGCG[A>G]GATCGGCGCCTCTCCTGCAGCCCCGGTGAGACGGCCCTGGCGTCCCTGGGAGGGGACATT-3'
Protein context (NP_068749.3, residues 1-16): MLPAG[Glu6Gly]IGASPAAPCC

ClinVar aggregate classification (germline): Uncertain significance. Review status: criteria provided, multiple submitters, no conflicts (2 of 4 stars). 2 submissions from 2 submitters: Uncertain significance (2). Last evaluated 2024-03-19.

Allele frequency attached by ClinVar (database versions not stated): gnomAD exomes below 0.00001 and 0.00001; gnomAD 0.00001.
gnomAD v4.1: 18 of 1,597,282 alleles (0.0011%); highest among the groups gnomAD compares: Non-Finnish European, 0.0015%; no homozygotes.

Submissions (2):

Ambry Genetics
Classification: Uncertain significance. Last evaluated: 2024-03-19. Review status: criteria provided, single submitter. Criteria: Ambry Variant Classification Scheme 2023. Collection method: clinical testing. Allele origin: germline.
Comment: The p.E6G variant (also known as c.17A>G), located in coding exon 1 of the RINT1 gene, results from an A to G substitution at nucleotide position 17. The glutamic acid at codon 6 is replaced by glycine, an amino acid with similar properties. This amino acid position is conserved. In addition, this alteration is predicted to be tolerated by in silico analysis. Since supporting evidence is limited at this time, the clinical significance of this alteration remains unclear.

Labcorp Genetics (formerly Invitae), Labcorp
Classification: Uncertain significance. Last evaluated: 2022-05-16. Review status: criteria provided, single submitter. Criteria: Invitae Variant Classification Sherloc (09022015). Collection method: clinical testing. Allele origin: germline.
Comment: This sequence change replaces glutamic acid, which is acidic and polar, with glycine, which is neutral and non-polar, at codon 6 of the RINT1 protein (p.Glu6Gly). This variant is present in population databases (no rsID available, gnomAD 0.002%). This variant has not been reported in the literature in individuals affected with RINT1-related conditions. ClinVar contains an entry for this variant (Variation ID: 947108). Algorithms developed to predict the effect of missense changes on protein structure and function output the following: SIFT: "Tolerated"; PolyPhen-2: "Benign"; Align-GVGD: "Class C0". The glycine amino acid residue is found in multiple mammalian species, which suggests that this missense change does not adversely affect protein function. In summary, the available evidence is currently insufficient to determine the role of this variant in disease. Therefore, it has been classified as a Variant of Uncertain Significance.